The following is an entry in ClinVar:

NM_004369.4(COL6A3):c.5681C>T (p.Pro1894Leu)

Gene: COL6A3 (collagen type VI alpha 3 chain; minus strand). Cytogenetic location: 2q37.3.
Variant type: single nucleotide variant.
Coding change: c.5681C>T on transcript NM_004369.4 (MANE Select); coding-DNA position 5681, C replaced by T.
Protein change: p.Pro1894Leu; replaces proline 1894 with leucine.
Molecular consequence: missense variant.
Genome position (GRCh38, 1-based): chr2:237,365,855, G>A on the plus strand (C>T on the coding strand, the complement: COL6A3 is on the minus strand). VCF-style: chr2-237365855-G-A. GRCh37 (hg19) VCF-style: chr2-238274498-G-A.
Other names: c.3860C>T, p.Pro1287Leu (NM_057166.5); c.5063C>T, p.Pro1688Leu (NM_057167.4); short protein forms P1894L, P1287L, P1688L.
Identifiers: ClinVar variation 162549 (VCV000162549.11), dbSNP rs376002858, ClinGen allele CA295308.

ClinVar aggregate classification (germline): Conflicting classifications of pathogenicity. Review status: criteria provided, conflicting classifications (1 of 4 stars). 4 submissions from 4 submitters: Uncertain significance (3); Likely benign (1). Last evaluated 2026-05-26.

Conditions:
COL6A3-related disorder. Also called: COL6A3-related disorders; COL6A3-related condition.
Bethlem myopathy 1A. Also called: MYOPATHY, BENIGN CONGENITAL, WITH CONTRACTURES; Bethlem myopathy 1; Bethlem Muscular Dystrophy. Identifiers: Orphanet 610, MedGen CN029274, MONDO:0024530, OMIM 158810.
Tip-toe gait. Also called: Toe walking. Identifiers: MedGen C0427144, HP:0030051.

Allele frequency attached by ClinVar (database versions not stated): ExAC 0.00002; gnomAD 0.00004; TOPMed 0.00004; gnomAD exomes 0.00005; ESP Exome Variant Server 0.00008.
gnomAD v4.1: 82 of 1,614,072 alleles (0.0051%); highest among the groups gnomAD compares: Middle Eastern, 0.016%; no homozygotes.

Submissions (4):

PreventionGenetics, part of Exact Sciences
Classification: Uncertain significance for COL6A3-related condition. Last evaluated: 2026-05-26. Review status: criteria provided, single submitter. Criteria: ACMG Guidelines, 2015. Collection method: clinical testing. Allele origin: germline.
Comment: The COL6A3 c.5681C>T variant is predicted to result in the amino acid substitution p.Pro1894Leu. This variant has been reported with an additional COL6A3 missense in an individual with early-onset segmental dystonia (Panda et al. 2020. PubMed ID: 32037012). This variant was also reported in the compound heterozygous state with a COL6A3 frameshift variant in an individual with bilateral topographic keratoconus. However, the patient also had missense variants in other genes that are associated with keratoconus and were inherited from the mother, who was also affected (González-Atienza et al. 2023. PubMed ID: 37895187). This variant is reported in 0.0098% of alleles in individuals of South Asian descent in gnomAD. A different missense change impacting the same amino acid (p.Pro1894Ser) has been reported as a variant of uncertain significance in two individuals with limb-girdle muscular dystrophy (Table S7, Nallamilli et al. 2018. PubMed ID: 30564623). At this time, the clinical significance of the c.5681C>T (p.Pro1894Leu) variant is uncertain due to the absence of conclusive functional and genetic evidence.

Labcorp Genetics (formerly Invitae), Labcorp
Classification: Likely benign for Bethlem myopathy 1A. Last evaluated: 2025-10-09. Review status: criteria provided, single submitter. Criteria: Invitae Variant Classification Sherloc (09022015). Collection method: clinical testing. Allele origin: germline.

Blueprint Genetics
Classification: Uncertain significance. Last evaluated: 2024-10-31. Review status: criteria provided, single submitter. Criteria: ACMG Guidelines, 2015. Collection method: clinical testing. Allele origin: germline.

Practice for Gait Abnormalities, David Pomarino, Competency Network Toe Walking C/o Practice Pomarino
Classification: Uncertain significance for Tip-toe gait. Last evaluated: 2023-06-13. Review status: criteria provided, single submitter. Criteria: Pomarino et al. (Glob Med Genet. 2023). Collection method: clinical testing. Allele origin: germline. Affected: yes. Observed: 1 variant allele, 1 heterozygote.